The following is an entry in ClinVar:

NM_017646.6(TRIT1):c.856A>G (p.Lys286Glu)

Gene: TRIT1 (tRNA isopentenyltransferase 1; minus strand). Cytogenetic location: 1p34.2.
Variant type: single nucleotide variant.
Coding change: c.856A>G on transcript NM_017646.6 (MANE Select); coding-DNA position 856, A replaced by G.
Protein change: p.Lys286Glu; replaces lysine 286 with glutamic acid.
Molecular consequence: missense variant.
Genome position (GRCh38, 1-based): chr1:39,847,620, T>C on the plus strand (A>G on the coding strand, the complement: TRIT1 is on the minus strand). VCF-style: chr1-39847620-T-C. GRCh37 (hg19) VCF-style: chr1-40313292-T-C.
Other names: c.856A>G, p.Lys286Glu (NM_001312691.2); c.610A>G, p.Lys204Glu (NM_001312692.2); short protein forms K286E, K204E.
Identifiers: ClinVar variation 417683 (VCV000417683.2), dbSNP rs1060505019, ClinGen allele CA16616851.
Genomic context (GRCh38, chr1:39,847,620, plus strand): 5'-GCTGGTTACTAGTCTCCAGTGTGCATTTTCCCTCAGTGATCAGGTACTCGTGAAATTCCT[T>C]GAAGCCAATTGATTGGAAGATACCATGTTGATAGTCCTGGCTGGGAACAGGAGGGTATCA-3'
Protein context (NP_060116.2, residues 276-296): QHGIFQSIGF[Lys286Glu]EFHEYLITEG

ClinVar aggregate classification (germline): Uncertain significance. Review status: criteria provided, single submitter (1 of 4 stars). 3 submissions from 3 submitters: Uncertain significance (1). 2 of the submissions do not count toward it. Last evaluated 2018-10-15.

Conditions:
Combined oxidative phosphorylation deficiency 35 (COXPD35). Identifiers: MedGen C4693466, MONDO:0054742, OMIM 617873.
TRIT1 Deficiency.

Allele frequency attached by ClinVar (database versions not stated): TOPMed below 0.00001; gnomAD 0.00001; gnomAD exomes 0.00003.
gnomAD v4.1: 45 of 1,614,070 alleles (0.0028%); highest among the groups gnomAD compares: Non-Finnish European, 0.0038%; no homozygotes.

Submissions (3):

SIB Swiss Institute of Bioinformatics
Classification: Uncertain significance for Combined oxidative phosphorylation deficiency 35. Last evaluated: 2018-10-15. Review status: criteria provided, single submitter. Criteria: ACMG Guidelines, 2015. Collection method: curation. Allele origin: germline.
Comment: This variant is interpreted as Uncertain Significance - Insufficient Evidence, for Combined oxidative phosphorylation deficiency 35, autosomal recessive. The following ACMG Tag(s) were applied: PM2 => Absent from controls (or at extremely low frequency if recessive) in Exome Sequencing Project, 1000 Genomes Project, or Exome Aggregation Consortium. PP3 => Multiple lines of computational evidence support a deleterious effect on the gene or gene product. PM3 => For recessive disorders, detected in trans with a pathogenic variant (PubMed 28185376).

OMIM
Classification: Pathogenic for COMBINED OXIDATIVE PHOSPHORYLATION DEFICIENCY 35. Last evaluated: 2018-02-16. Review status: no assertion criteria provided. Collection method: literature only. Allele origin: germline. Not counted in ClinVar's aggregate classification.

Care4Rare-SOLVE, CHEO
Classification: Uncertain significance for TRIT1 Deficiency. Review status: no assertion criteria provided. Collection method: research. Allele origin: inherited. Affected: yes. Observed: 1 variant allele. Study: Care4Rare. Not counted in ClinVar's aggregate classification.
Comment: This variant was seen in a heterozygous state with c.22C>T.

Literature cited by the submitters: PubMed 28185376 (cited by SIB Swiss Institute of Bioinformatics and OMIM).